The following is an entry in ClinVar:

NM_000051.4(ATM):c.990A>T (p.Gly330=)

Gene: ATM (ATM serine/threonine kinase; plus strand). Cytogenetic location: 11q22.3.
Variant type: single nucleotide variant.
Coding change: c.990A>T on transcript NM_000051.4 (MANE Select); coding-DNA position 990, A replaced by T.
Protein change: p.Gly330=; no amino-acid change (glycine 330 retained).
Molecular consequence: synonymous variant.
Genome position (GRCh38, 1-based): chr11:108,247,052, A>T. VCF-style: chr11-108247052-A-T. GRCh37 (hg19) VCF-style: chr11-108117779-A-T.
Other names: c.990A>T, p.Gly330= (NM_001351834.2).
Identifiers: ClinVar variation 920659 (VCV000920659.6), dbSNP rs1555068447, ClinGen allele CA476671544.

ClinVar aggregate classification (germline): Uncertain significance. Review status: criteria provided, multiple submitters, no conflicts (2 of 4 stars). 2 submissions from 2 submitters: Uncertain significance (2). Last evaluated 2026-03-31.

Conditions:
Hereditary cancer-predisposing syndrome. Also called: Hereditary Cancer Syndrome; Neoplastic Syndromes, Hereditary; Tumor predisposition; Hereditary neoplastic syndrome. Identifiers: Orphanet 140162, MedGen C0027672, MeSH D009386, MONDO:0015356.

Submissions (2):

Ambry Genetics
Classification: Uncertain significance for Hereditary cancer-predisposing syndrome. Last evaluated: 2026-03-31. Review status: criteria provided, single submitter. Criteria: Ambry Variant Classification Scheme 2023. Collection method: clinical testing. Allele origin: germline.
Comment: The c.990A>T variant (also known as p.G330G), located in coding exon 7 of the ATM gene, results from an A to T substitution at nucleotide position 990. This nucleotide substitution does not change the amino acid at codon 330. In an assay testing ATM function, this variant showed a functionally abnormal result (Lee KS et al. Cell, 2025 Sep;188:5081-5099.e27). This nucleotide position is not well conserved in available vertebrate species. In silico splice site analysis predicts that this alteration will result in the creation or strengthening of a novel splice donor site. Based on the available evidence, the clinical significance of this variant remains unclear.

Color Diagnostics, LLC DBA Color Health
Classification: Uncertain significance for Hereditary cancer-predisposing syndrome. Last evaluated: 2023-12-05. Review status: criteria provided, single submitter. Criteria: ACMG Guidelines, 2015. Collection method: clinical testing. Allele origin: germline.
Comment: This synonymous variant does not change the amino acid sequence of the ATM protein. Splice site prediction tools suggest that this variant may create a splice donor site. However, this prediction has not been confirmed in published RNA studies. This variant has not been reported in individuals affected with hereditary cancer in the literature. This variant has not been identified in the general population by the Genome Aggregation Database (gnomAD). The available evidence is insufficient to determine the role of this variant in disease conclusively. Therefore, this variant is classified as a Variant of Uncertain Significance.

Literature cited by the submitters: PubMed 40580951 (cited by Ambry Genetics).